The following is an entry in ClinVar:

ClinVar aggregate classification (germline): Uncertain significance (1 of 4 stars; one submission).

gnomAD v4.1: 2 of 1,605,342 alleles (0.00012%); highest among the groups gnomAD compares: Non-Finnish European, 0.00017%; no homozygotes.

Submission:

Mayo Clinic Laboratories, Mayo Clinic
Classification: Uncertain significance. Last evaluated: 2025-12-17. Review status: criteria provided, single submitter. Criteria: ACMG Guidelines, 2015. Collection method: clinical testing. Allele origin: germline. Observed: 1 variant allele.
Comment: BP4, PM2_supporting

NM_001129.5(AEBP1):c.808T>C (p.Trp270Arg)

Gene: AEBP1 (AE binding protein 1; plus strand). Cytogenetic location: 7p13.
Variant type: single nucleotide variant.
Coding change: c.808T>C on transcript NM_001129.5 (MANE Select); coding-DNA position 808, T replaced by C.
Protein change: p.Trp270Arg; replaces tryptophan 270 with arginine.
Molecular consequence: missense variant.
Genome position (GRCh38, 1-based): chr7:44,107,877, T>C. VCF-style: chr7-44107877-T-C. GRCh37 (hg19) VCF-style: chr7-44147476-T-C.
Other names: p.Trp270Arg; short protein forms W270R.
Identifiers: ClinVar variation 4541276 (VCV004541276.1).